The following is an entry in ClinVar:

NM_003255.5(TIMP2):c.303G>A (p.Ser101=)

Gene: TIMP2 (TIMP metallopeptidase inhibitor 2; minus strand). Cytogenetic location: 17q25.3.
Variant type: single nucleotide variant.
Coding change: c.303G>A on transcript NM_003255.5 (MANE Select); coding-DNA position 303, G replaced by A.
Protein change: p.Ser101=; no amino-acid change (serine 101 retained).
Molecular consequence: synonymous variant.
Genome position (GRCh38, 1-based): chr17:78,870,935, C>T on the plus strand (G>A on the coding strand, the complement: TIMP2 is on the minus strand). VCF-style: chr17-78870935-C-T. GRCh37 (hg19) VCF-style: chr17-76867017-C-T.
Identifiers: ClinVar variation 3059644 (VCV003059644.2), dbSNP rs2277698, ClinGen allele CA8807703.
Genomic context (GRCh38, chr17:78,870,935, plus strand): 5'-CTGATGGCCCCACTCATACACACCTGCAATGAGATATTCCTTCTTTCCTCCAACGTCCAG[C>T]GAGACCCCACACACTGCCGAGGAGGGGGCCGTGTAGATAAACTCTATATCCTTCTCAGGC-3'
Protein context (NP_003246.1, residues 91-111): TAPSSAVCGV[Ser101=]LDVGGKKEYL

ClinVar aggregate classification (germline): Benign (0 of 4 stars; one submission).

Conditions:
TIMP2-related disorder. Also called: TIMP2-related condition.

Allele frequency attached by ClinVar (database versions not stated): ESP Exome Variant Server 0.11179; TOPMed 0.11510; gnomAD 0.11677; ExAC 0.13824; 1000 Genomes Project 30x 0.16474; 1000 Genomes Project 0.16893.
gnomAD v4.1: 202,027 of 1,611,508 alleles (13%); highest among the groups gnomAD compares: South Asian, 22%; 13,842 homozygotes.

Submission:

PreventionGenetics, part of Exact Sciences
Classification: Benign for TIMP2-related condition. Last evaluated: 2019-06-11. Review status: no assertion criteria provided. Collection method: clinical testing. Allele origin: germline.
Comment: This variant is classified as benign based on ACMG/AMP sequence variant interpretation guidelines (Richards et al. 2015 PMID: 25741868, with internal and published modifications).